The following is an entry in ClinVar:

ClinVar aggregate classification (germline): Pathogenic (1 of 4 stars; one submission).

Conditions:
Fanconi anemia (FA). Also called: Fanconi's anemia. Identifiers: Orphanet 84, MedGen C0015625, MeSH D005199, MONDO:0019391.

Submission:

Labcorp Genetics (formerly Invitae), Labcorp
Classification: Pathogenic for Fanconi anemia. Last evaluated: 2023-01-06. Review status: criteria provided, single submitter. Criteria: Invitae Variant Classification Sherloc (09022015). Collection method: clinical testing. Allele origin: unknown.
Comment: For these reasons, this variant has been classified as Pathogenic. This variant has not been reported in the literature in individuals affected with FANCD2-related conditions. This variant is a gross deletion of the genomic region encompassing exon(s) 21-24 of the FANCD2 gene. This deletion is out-of-frame, and is expected to create a premature termination codon and result in an absent or disrupted protein product. Loss-of-function variants in FANCD2 are known to be pathogenic (PMID: 17436244).

Literature cited by the submitters: PubMed 17436244.

NC_000003.11:g.(?_10105456)_(10107198_?)del

Gene: FANCD2 (FA complementation group D2; plus strand). Cytogenetic location: 3p25.3.
Variant type: Deletion.
Identifiers: ClinVar variation 3246821 (VCV003246821.1).